The following is an entry in ClinVar:

ClinVar aggregate classification (germline): Likely benign (1 of 4 stars; one submission).

gnomAD v4.1: 1 of 1,614,210 alleles (0.000062%); highest among the groups gnomAD compares: Non-Finnish European, 0.000085%; no homozygotes.

Submission:

CeGaT Center for Human Genetics Tuebingen
Classification: Likely benign. Last evaluated: 2025-08-01. Review status: criteria provided, single submitter. Criteria: CeGaT Center For Human Genetics Tuebingen Variant Classification Criteria Version 2. Collection method: clinical testing. Allele origin: germline. Affected: yes. Observed: 1 variant allele.
Comment: SELENOP: BP4, BP7

NM_005410.4(SELENOP):c.801A>G (p.Glu267=)

Genes: SELENOP (selenoprotein P; minus strand), CCDC152 (coiled-coil domain containing 152; plus strand). Cytogenetic location: 5p12.
Variant type: single nucleotide variant.
Coding change: c.801A>G on transcript NM_005410.4 (MANE Select); coding-DNA position 801, A replaced by G.
Protein change: p.Glu267=; no amino-acid change (glutamic acid 267 retained).
Molecular consequence: synonymous variant. On other transcripts: 3 prime UTR variant (1).
Genome position (GRCh38, 1-based): chr5:42,801,065, T>C on the plus strand (A>G on the coding strand, the complement: SELENOP is on the minus strand). VCF-style: chr5-42801065-T-C. GRCh37 (hg19) VCF-style: chr5-42801167-T-C.
Other names: c.*1284T>C (NM_001134848.2); c.801A>G, p.Glu267= (NM_001085486.3); c.891A>G, p.Glu297= (NM_001093726.3).
Identifiers: ClinVar variation 4085977 (VCV004085977.8).
Genomic context (GRCh38, chr5:42,801,065, plus strand): 5'-ACAGAGTAATTGATTTATACATCTCTTTCGACAGAGCTTCTTTTGTAAATCTTGTAAATC[T>C]TCACTTGCTGGCATATCTCGGTTCTCTGGGTGACCCTGCCTATGCTGACCCTTGTGCTTA-3'
Protein context (NP_005401.3, residues 257-277): HPENRDMPAS[Glu267=]DLQDLQKKLC